The following is an entry in ClinVar:

NM_000257.4(MYH7):c.895+3G>T

Gene: MYH7 (myosin heavy chain 7; minus strand). Cytogenetic location: 14q11.2.
Variant type: single nucleotide variant.
Coding change: c.895+3G>T on transcript NM_000257.4 (MANE Select); 3 bases into the intron after coding-DNA position 895, G replaced by T.
Molecular consequence: intron variant.
Genome position (GRCh38, 1-based): chr14:23,430,898, C>A on the plus strand (G>T on the coding strand, the complement: MYH7 is on the minus strand). VCF-style: chr14-23430898-C-A. GRCh37 (hg19) VCF-style: chr14-23900107-C-A.
Other names: c.895+3G>T (NM_001407004.1).
Identifiers: ClinVar variation 2499323 (VCV002499323.2), dbSNP rs1338735834, ClinGen allele CA2580087876.

ClinVar aggregate classification (germline): Uncertain significance. Review status: criteria provided, multiple submitters, no conflicts (2 of 4 stars). 2 submissions from 2 submitters: Uncertain significance (2). Last evaluated 2023-08-15.

Conditions:
Cardiomyopathy (CMYO). Also called: Cardiomyopathies. Identifiers: Orphanet 167848, MedGen C0878544, MONDO:0004994, HP:0001638. Inheritance: Various modes of inheritance.

gnomAD v4.1: 2 of 1,609,342 alleles (0.00012%); highest among the groups gnomAD compares: Non-Finnish European, 0.00017%; no homozygotes.

Submissions (2):

All of Us Research Program, National Institutes of Health
Classification: Uncertain significance for Cardiomyopathy. Last evaluated: 2023-08-15. Review status: criteria provided, single submitter. Criteria: ACMG Guidelines, 2015. Collection method: clinical testing. Allele origin: germline. Inheritance: Autosomal dominant inheritance. Observed: 1 variant allele, 1 heterozygote.
Comment: This variant causes a G to T nucleotide substitution at the +3 position of intron 10 of the MYH7 gene. To our knowledge, functional studies have not been reported for this variant. This variant has not been reported in individuals affected with MYH7-related disorders in the literature. This variant has not been identified in the general population by the Genome Aggregation Database (gnomAD). The available evidence is insufficient to determine the role of this variant in disease conclusively. Therefore, this variant is classified as a Variant of Uncertain Significance.

This study involves interpretation of variants in research participants for the purpose of population health screening. Participant phenotype was not available at the time of variant classification. Additional details can be found in publication PMID: 35346344, PMCID: PMC8962531

GeneDx
Classification: Uncertain significance. Last evaluated: 2022-10-11. Review status: criteria provided, single submitter. Criteria: GeneDx Variant Classification Process June 2021. Collection method: clinical testing. Allele origin: germline. Affected: yes.
Comment: Not observed at significant frequency in large population cohorts (gnomAD); Has not been previously published as pathogenic or benign to our knowledge; In-silico analysis is inconclusive as to whether the variant alters gene splicing. In the absence of RNA/functional studies, the actual effect of this sequence change is unknown.